The following is an entry in ClinVar:

ClinVar aggregate classification (germline): Benign/Likely benign. Review status: criteria provided, multiple submitters, no conflicts (2 of 4 stars). 3 submissions from 3 submitters: Benign (1); Likely benign (2). Last evaluated 2025-11-04.

Allele frequency attached by ClinVar (database versions not stated): TOPMed 0.00011; gnomAD 0.00013; 1000 Genomes Project 0.00060; 1000 Genomes Project 30x 0.00062.
gnomAD v4.1: 58 of 1,600,066 alleles (0.0036%); highest among the groups gnomAD compares: East Asian, 0.11%; no homozygotes.

Submissions (3):

Labcorp Genetics (formerly Invitae), Labcorp
Classification: Benign. Last evaluated: 2025-11-04. Review status: criteria provided, single submitter. Criteria: Invitae Variant Classification Sherloc (09022015). Collection method: clinical testing. Allele origin: germline.

Blueprint Genetics
Classification: Likely benign. Last evaluated: 2023-10-06. Review status: criteria provided, single submitter. Criteria: ACMG Guidelines, 2015. Collection method: clinical testing. Allele origin: germline.

GeneDx
Classification: Likely benign. Last evaluated: 2018-04-30. Review status: criteria provided, single submitter. Criteria: GeneDx Variant Classification (06012015). Collection method: clinical testing. Allele origin: germline. Affected: yes.
Comment: This variant is considered likely benign or benign based on one or more of the following criteria: it is a conservative change, it occurs at a poorly conserved position in the protein, it is predicted to be benign by multiple in silico algorithms, and/or has population frequency not consistent with disease.

NM_000142.5(FGFR3):c.616-18G>C

Gene: FGFR3 (fibroblast growth factor receptor 3; plus strand). Cytogenetic location: 4p16.3.
Variant type: single nucleotide variant.
Coding change: c.616-18G>C on transcript NM_000142.5 (MANE Select); 18 bases into the intron before coding-DNA position 616, G replaced by C.
Molecular consequence: intron variant.
Genome position (GRCh38, 1-based): chr4:1,801,602, G>C. VCF-style: chr4-1801602-G-C. GRCh37 (hg19) VCF-style: chr4-1803329-G-C.
Other names: c.616-18G>C (NM_001163213.2, NM_001354809.2, NM_001354810.2 and 1 more transcripts).
Identifiers: ClinVar variation 668209 (VCV000668209.5), dbSNP rs372940259, ClinGen allele CA2809896.